The following is an entry in ClinVar:

ClinVar aggregate classification (germline): Conflicting classifications of pathogenicity. Review status: criteria provided, conflicting classifications (1 of 4 stars). 4 submissions from 4 submitters: Uncertain significance (2); Likely benign (2). Last evaluated 2024-12-05.

Conditions:
Cardiovascular phenotype. Identifiers: MedGen CN230736.
Capillary malformation-arteriovenous malformation 2 (CMAVM2). Identifiers: Orphanet 693912, MedGen C4748670, MONDO:0020785, OMIM 618196.

Allele frequency attached by ClinVar (database versions not stated): ExAC 0.00003; gnomAD exomes 0.00004; gnomAD 0.00003; TOPMed 0.00001.
gnomAD v4.1: 59 of 1,613,758 alleles (0.0037%); highest among the groups gnomAD compares: Admixed American, 0.0067%; no homozygotes.

Submissions (4):

Labcorp Genetics (formerly Invitae), Labcorp
Classification: Likely benign. Last evaluated: 2024-12-05. Review status: criteria provided, single submitter. Criteria: Invitae Variant Classification Sherloc (09022015). Collection method: clinical testing. Allele origin: germline.

Ambry Genetics
Classification: Likely benign for Cardiovascular phenotype. Last evaluated: 2024-08-03. Review status: criteria provided, single submitter. Criteria: Ambry Variant Classification Scheme 2023. Collection method: clinical testing. Allele origin: germline.

Molecular Genetics, Royal Melbourne Hospital
Classification: Uncertain significance for Capillary malformation-arteriovenous malformation 2. Last evaluated: 2022-10-06. Review status: criteria provided, single submitter. Criteria: ACMG Guidelines, 2015. Collection method: clinical testing. Allele origin: germline. Affected: yes.
Comment: This sequence change in EPHB4 is predicted to replace arginine with histidine at codon 397, p.(Arg397His). The arginine residue is moderately conserved (100 vertebrates, UCSC), and is located in fibronectin type-III domain 1. There is a small physicochemical difference between arginine and histidine. The highest population minor allele frequency in the population database gnomAD v2.1 is 0.008% (3/35,422 alleles) in the Latino/admixed American population. To our knowledge, this variant has not been reported in the literature in any individuals with EPHB4-related disease. This variant has been reported in at least one proband with macular telangiectasia (ClinVar: SCV002540758.1). Multiple lines of computational evidence have conflicting predictions for the missense substitution (4/6 algorithms predict deleterious). Based on the classification scheme RMH Modified ACMG Guidelines v1.5.1, this variant is classified as a VARIANT OF UNCERTAIN SIGNIFICANCE. Following criteria are met: none.

Institute of Human Genetics, University of Goettingen
Classification: Uncertain significance for Capillary malformation-arteriovenous malformation 2. Last evaluated: 2022-07-07. Review status: criteria provided, single submitter. Criteria: ACMG Guidelines, 2015. Collection method: clinical testing. Allele origin: unknown. Inheritance: Autosomal dominant inheritance. Observed: 1 heterozygote.
Comment: The variant c.1190G>A (p.(Arg397His)) in exon 6 of the EPHB4-gene is found at a population frequency of 0.0035% in the gnomAD database, it affects a weakly conserved nucleotide, a moderately conserved amino acid within a protein domain and there is a small physicochemical difference between Arg and His. ACMG criteria used for classification: PM2.

NM_004444.5(EPHB4):c.1190G>A (p.Arg397His)

Gene: EPHB4 (EPH receptor B4; minus strand). Cytogenetic location: 7q22.1.
Variant type: single nucleotide variant.
Coding change: c.1190G>A on transcript NM_004444.5 (MANE Select); coding-DNA position 1190, G replaced by A.
Protein change: p.Arg397His; replaces arginine 397 with histidine.
Molecular consequence: missense variant.
Genome position (GRCh38, 1-based): chr7:100,819,664, C>T on the plus strand (G>A on the coding strand, the complement: EPHB4 is on the minus strand). VCF-style: chr7-100819664-C-T. GRCh37 (hg19) VCF-style: chr7-100417286-C-T.
Other names: c.1190G>A (NM_004444.4); short protein forms R397H.
Identifiers: ClinVar variation 1693572 (VCV001693572.6), dbSNP rs538766032, ClinGen allele CA4393076.